The following is an entry in ClinVar:

ClinVar aggregate classification (germline): Benign. Review status: criteria provided, single submitter (1 of 4 stars). 2 submissions from 2 submitters: Benign (1). 1 of the submissions does not count toward it. Last evaluated 2025-12-22.

Conditions:
POU4F3-related disorder. Also called: POU4F3-related condition.

Allele frequency attached by ClinVar (database versions not stated): gnomAD exomes 0.00004 and 0.00014; 1000 Genomes Project 30x 0.00016; ExAC 0.00017; 1000 Genomes Project 0.00020; gnomAD 0.00054 and 0.00058; TOPMed 0.00063; ESP Exome Variant Server 0.00069.
gnomAD v4.1: 148 of 1,613,748 alleles (0.0092%); highest among the groups gnomAD compares: African/African-American, 0.16%; no homozygotes.

Submissions (2):

Labcorp Genetics (formerly Invitae), Labcorp
Classification: Benign. Last evaluated: 2025-12-22. Review status: criteria provided, single submitter. Criteria: Invitae Variant Classification Sherloc (09022015). Collection method: clinical testing. Allele origin: germline.

PreventionGenetics, part of Exact Sciences
Classification: Likely benign for POU4F3-related condition. Last evaluated: 2019-04-09. Review status: no assertion criteria provided. Collection method: clinical testing. Allele origin: germline. Not counted in ClinVar's aggregate classification.
Comment: This variant is classified as likely benign based on ACMG/AMP sequence variant interpretation guidelines (Richards et al. 2015 PMID: 25741868, with internal and published modifications).

NM_002700.3(POU4F3):c.330C>T (p.Ala110=)

Genes: POU4F3 (POU class 4 homeobox 3; plus strand), RBM27-POU4F3 (RBM27-POU4F3 readthrough; plus strand). Cytogenetic location: 5q32.
Variant type: single nucleotide variant.
Coding change: c.330C>T on transcript NM_002700.3 (MANE Select); coding-DNA position 330, C replaced by T.
Protein change: p.Ala110=; no amino-acid change (alanine 110 retained).
Molecular consequence: synonymous variant.
Genome position (GRCh38, 1-based): chr5:146,339,757, C>T. VCF-style: chr5-146339757-C-T. GRCh37 (hg19) VCF-style: chr5-145719320-C-T.
Identifiers: ClinVar variation 726856 (VCV000726856.11), dbSNP rs150802201, ClinGen allele CA3491105.